The following is an entry in ClinVar:

ClinVar aggregate classification (germline): Uncertain significance. Review status: criteria provided, multiple submitters, no conflicts (2 of 4 stars). 2 submissions from 2 submitters: Uncertain significance (2). Last evaluated 2025-11-19.

Allele frequency attached by ClinVar (database versions not stated): gnomAD 0.00001; TOPMed 0.00001; gnomAD exomes 0.00006; ExAC 0.00007.
gnomAD v4.1: 59 of 1,613,182 alleles (0.0037%); highest among the groups gnomAD compares: South Asian, 0.063%; no homozygotes.

Submissions (2):

Labcorp Genetics (formerly Invitae), Labcorp
Classification: Uncertain significance. Last evaluated: 2025-11-19. Review status: criteria provided, single submitter. Criteria: Invitae Variant Classification Sherloc (09022015). Collection method: clinical testing. Allele origin: germline.
Comment: This sequence change replaces proline, which is neutral and non-polar, with serine, which is neutral and polar, at codon 178 of the MS4A1 protein (p.Pro178Ser). This variant is present in population databases (rs201784186, gnomAD 0.05%). This variant has not been reported in the literature in individuals affected with MS4A1-related conditions. ClinVar contains an entry for this variant (Variation ID: 1402548). An algorithm developed to predict the effect of missense changes on protein structure and function (PolyPhen-2) suggests that this variant is likely to be tolerated. In summary, the available evidence is currently insufficient to determine the role of this variant in disease. Therefore, it has been classified as a Variant of Uncertain Significance.

Ambry Genetics
Classification: Uncertain significance. Last evaluated: 2024-10-07. Review status: criteria provided, single submitter. Criteria: Ambry Variant Classification Scheme 2023. Collection method: clinical testing. Allele origin: germline.

NM_152866.3(MS4A1):c.532C>T (p.Pro178Ser)

Gene: MS4A1 (membrane spanning 4-domains A1; plus strand). Cytogenetic location: 11q12.2.
Variant type: single nucleotide variant.
Coding change: c.532C>T on transcript NM_152866.3 (MANE Select); coding-DNA position 532, C replaced by T.
Protein change: p.Pro178Ser; replaces proline 178 with serine.
Molecular consequence: missense variant.
Genome position (GRCh38, 1-based): chr11:60,466,116, C>T. VCF-style: chr11-60466116-C-T. GRCh37 (hg19) VCF-style: chr11-60233589-C-T.
Other names: c.532C>T, p.Pro178Ser (NM_021950.4, NM_152867.2); c.532C>T (NM_152866.2); short protein forms P178S.
Identifiers: ClinVar variation 1402548 (VCV001402548.9), dbSNP rs201784186, ClinGen allele CA6025009.